The following is an entry in ClinVar:

NM_001042492.3(NF1):c.4208G>C (p.Gly1403Ala)

Gene: NF1 (neurofibromin 1; plus strand). Cytogenetic location: 17q11.2.
Variant type: single nucleotide variant.
Coding change: c.4208G>C on transcript NM_001042492.3 (MANE Select); coding-DNA position 4208, G replaced by C.
Protein change: p.Gly1403Ala; replaces glycine 1403 with alanine.
Molecular consequence: missense variant.
Genome position (GRCh38, 1-based): chr17:31,258,378, G>C. VCF-style: chr17-31258378-G-C. GRCh37 (hg19) VCF-style: chr17-29585396-G-C.
Other names: c.4145G>C, p.Gly1382Ala (NM_000267.4); short protein forms G1382A, G1403A.
Identifiers: ClinVar variation 1738198 (VCV001738198.2), dbSNP rs2151461873, ClinGen allele CA398997675.

ClinVar aggregate classification (germline): Uncertain significance (1 of 4 stars; one submission).

Conditions:
Hereditary cancer-predisposing syndrome. Also called: Neoplastic Syndromes, Hereditary; Tumor predisposition; Hereditary Cancer Syndrome; Hereditary neoplastic syndrome. Identifiers: Orphanet 140162, MedGen C0027672, MeSH D009386, MONDO:0015356.
Cardiovascular phenotype. Identifiers: MedGen CN230736.

Submission:

Ambry Genetics
Classification: Uncertain significance for Cardiovascular phenotype; Hereditary cancer-predisposing syndrome. Last evaluated: 2022-01-30. Review status: criteria provided, single submitter. Criteria: Ambry Variant Classification Scheme 2023. Collection method: clinical testing. Allele origin: germline.
Comment: The p.G1382A variant (also known as c.4145G>C), located in coding exon 31 of the NF1 gene, results from a G to C substitution at nucleotide position 4145. The glycine at codon 1382 is replaced by alanine, an amino acid with similar properties. This amino acid position is conserved. In addition, this alteration is predicted to be deleterious by in silico analysis. Since supporting evidence is limited at this time, the clinical significance of this alteration remains unclear.